The following is an entry in ClinVar:

ClinVar aggregate classification (germline): Likely benign (0 of 4 stars; one submission).

Conditions:
PLEKHG4-related disorder. Also called: PLEKHG4-related condition.

Allele frequency attached by ClinVar (database versions not stated): 1000 Genomes Project 0.00020; 1000 Genomes Project 30x 0.00031; ExAC 0.00031; TOPMed 0.00040; gnomAD 0.00042; ESP Exome Variant Server 0.00046.
gnomAD v4.1: 1,245 of 1,614,182 alleles (0.077%); highest among the groups gnomAD compares: Non-Finnish European, 0.099%; no homozygotes.

Submissions (4):

PreventionGenetics, part of Exact Sciences
Classification: Likely benign for PLEKHG4-related condition. Last evaluated: 2024-02-26. Review status: no assertion criteria provided. Collection method: clinical testing. Allele origin: germline.
Comment: This variant is classified as likely benign based on ACMG/AMP sequence variant interpretation guidelines (Richards et al. 2015 PMID: 25741868, with internal and published modifications).

Dr. Peter K. Rogan Lab, Western University
No classification provided (evidence only). Condition: Clear cell carcinoma of kidney. Review status: no classification provided. Collection method: in vitro. Allele origin: not applicable. Functional consequence: skipped exon, retained intron. Not counted in ClinVar's aggregate classification.

Dr. Peter K. Rogan Lab, Western University
No classification provided (evidence only). Condition: Acute myeloid leukemia. Review status: no classification provided. Collection method: in vitro. Allele origin: not applicable. Functional consequence: retained intron. Not counted in ClinVar's aggregate classification.

Dr. Peter K. Rogan Lab, Western University
No classification provided (evidence only). Condition: Sarcoma. Review status: no classification provided. Collection method: in vitro. Allele origin: not applicable. Functional consequence: skipped exon, retained intron. Not counted in ClinVar's aggregate classification.

NM_001129729.3(PLEKHG4):c.3455-1G>C

Gene: PLEKHG4 (pleckstrin homology and RhoGEF domain containing G4; plus strand). Cytogenetic location: 16q22.1.
Variant type: single nucleotide variant.
Coding change: c.3455-1G>C on transcript NM_001129729.3 (MANE Select); the canonical splice acceptor site of the intron before coding-DNA position 3455, G replaced by C.
Molecular consequence: splice acceptor variant.
Genome position (GRCh38, 1-based): chr16:67,288,488, G>C. VCF-style: chr16-67288488-G-C. GRCh37 (hg19) VCF-style: chr16-67322391-G-C.
Other names: NC_000016.9:g.67322391G>C; c.3455-1G>C (NM_001129727.3, NM_001129728.2); c.3212-1G>C (NM_001129731.3).
Identifiers: ClinVar variation 3040368 (VCV003040368.3), dbSNP rs200888271, ClinGen allele CA8108404.